The following is an entry in ClinVar:

NM_020829.4(RIC1):c.145-9del

Gene: RIC1 (RIC1 homolog, RAB6A GEF complex partner 1; plus strand). Cytogenetic location: 9p24.1.
Variant type: Deletion.
Coding change: c.145-9del on transcript NM_020829.4 (MANE Select); 9 bases into the intron before coding-DNA position 145, one base deleted (A; older notation c.145-9delA).
Molecular consequence: intron variant.
Genome position (GRCh38, 1-based): chr9:5,656,574, A deleted; the last of 2 consecutive A bases (chr9:5,656,573-5,656,574); deleting either gives the same sequence. VCF-style (leftmost placement, unchanged base first): chr9-5656572-TA-T. GRCh37 (hg19) VCF-style: chr9-5656572-TA-T.
Other names: c.145-9del (NM_001206557.2, NM_001135920.4).
Identifiers: ClinVar variation 3036783 (VCV003036783.2), dbSNP rs765295308, ClinGen allele CA4974114.
Genomic context (GRCh38, chr9:5,656,572, plus strand): 5'-TAAATTTTATTTGTGTATTTTTATGAGATATTGATAAAAAATACAACTTTTTTTTTTTTT[TA>T]ATCACACAGCCTAGTGTGTTAATTGTAACCTACAAGGAGCCTGCAAAATCATCTACTCAG-3'

ClinVar aggregate classification (germline): Likely benign (0 of 4 stars; one submission).

Conditions:
RIC1-related disorder. Also called: RIC1-related condition.

Submission:

PreventionGenetics, part of Exact Sciences
Classification: Likely benign for RIC1-related condition. Last evaluated: 2020-07-02. Review status: no assertion criteria provided. Collection method: clinical testing. Allele origin: germline.
Comment: This variant is classified as likely benign based on ACMG/AMP sequence variant interpretation guidelines (Richards et al. 2015 PMID: 25741868, with internal and published modifications).